The following is an entry in ClinVar:

ClinVar aggregate classification (germline): Likely benign. Review status: criteria provided, multiple submitters, no conflicts (2 of 4 stars). 4 submissions from 4 submitters: Likely benign (4). Last evaluated 2025-12-03.

Conditions:
Inborn genetic diseases. Identifiers: MedGen C0950123, MeSH D030342.
Cohen syndrome (COH1). Also called: Cutis verticis gyrata, retinitis pigmentosa, and sensorineural deafness; PEPPER SYNDROME. Identifiers: Orphanet 193, MedGen C0265223, MONDO:0008999, OMIM 216550.

Allele frequency attached by ClinVar (database versions not stated): ExAC 0.00002; gnomAD exomes 0.00004 and 0.00021; ESP Exome Variant Server 0.00008; TOPMed 0.00012; gnomAD 0.00013 and 0.00014.
gnomAD v4.1: 324 of 1,613,096 alleles (0.02%); highest among the groups gnomAD compares: Non-Finnish European, 0.026%; no homozygotes.

Submissions (4):

Labcorp Genetics (formerly Invitae), Labcorp
Classification: Likely benign for Cohen syndrome. Last evaluated: 2025-12-03. Review status: criteria provided, single submitter. Criteria: Invitae Variant Classification Sherloc (09022015). Collection method: clinical testing. Allele origin: germline.

Blueprint Genetics
Classification: Likely benign. Last evaluated: 2024-02-02. Review status: criteria provided, single submitter. Criteria: ACMG Guidelines, 2015. Collection method: clinical testing. Allele origin: germline.

CeGaT Center for Human Genetics Tuebingen
Classification: Likely benign. Last evaluated: 2022-11-01. Review status: criteria provided, single submitter. Criteria: CeGaT Center For Human Genetics Tuebingen Variant Classification Criteria Version 2. Collection method: clinical testing. Allele origin: germline. Affected: yes. Observed: 1 variant allele.
Comment: VPS13B: BP4, BP7

Ambry Genetics
Classification: Likely benign for Inborn genetic diseases. Last evaluated: 2017-10-27. Review status: criteria provided, single submitter. Criteria: Ambry Variant Classification Scheme 2023. Collection method: clinical testing. Allele origin: germline.

NM_152564.5(VPS13B):c.2748A>G (p.Pro916=)

Gene: VPS13B (vacuolar protein sorting 13 homolog B; plus strand). Cytogenetic location: 8q22.2.
Variant type: single nucleotide variant.
Coding change: c.2748A>G on transcript NM_152564.5 (MANE Select); coding-DNA position 2748, A replaced by G.
Protein change: p.Pro916=; no amino-acid change (proline 916 retained).
Molecular consequence: synonymous variant.
Genome position (GRCh38, 1-based): chr8:99,275,178, A>G. VCF-style: chr8-99275178-A-G. GRCh37 (hg19) VCF-style: chr8-100287406-A-G.
Other names: c.2748A>G, p.Pro916= (NM_017890.5).
Identifiers: ClinVar variation 528856 (VCV000528856.38), dbSNP rs144830924, ClinGen allele CA4823012.